The following is an entry in ClinVar:

NM_032043.3(BRIP1):c.2203T>C (p.Phe735Leu)

Gene: BRIP1 (BRCA1 interacting DNA helicase 1; minus strand). Cytogenetic location: 17q23.2.
Variant type: single nucleotide variant.
Coding change: c.2203T>C on transcript NM_032043.3 (MANE Select); coding-DNA position 2203, T replaced by C.
Protein change: p.Phe735Leu; replaces phenylalanine 735 with leucine.
Molecular consequence: missense variant.
Genome position (GRCh38, 1-based): chr17:61,744,486, A>G on the plus strand (T>C on the coding strand, the complement: BRIP1 is on the minus strand). VCF-style: chr17-61744486-A-G. GRCh37 (hg19) VCF-style: chr17-59821847-A-G.
Other names: short protein forms F735L.
Identifiers: ClinVar variation 854969 (VCV000854969.17), dbSNP rs1353526212, ClinGen allele CA400482998.

ClinVar aggregate classification (germline): Uncertain significance. Review status: criteria provided, multiple submitters, no conflicts (2 of 4 stars). 3 submissions from 3 submitters: Uncertain significance (3). Last evaluated 2025-11-25.

Conditions:
Hereditary cancer-predisposing syndrome. Also called: Hereditary neoplastic syndrome; Tumor predisposition; Neoplastic Syndromes, Hereditary; Hereditary Cancer Syndrome. Identifiers: Orphanet 140162, MedGen C0027672, MeSH D009386, MONDO:0015356.
Fanconi anemia complementation group J. Also called: BRIP1-Related Fanconi Anemia. Identifiers: Orphanet 84, MedGen C1836860, MONDO:0012187, OMIM 609054.
Familial cancer of breast. Also called: hereditary breast carcinoma; BREAST CANCER, FAMILIAL; Hereditary breast cancer. Identifiers: Orphanet 227535, MedGen C0346153, MONDO:0016419, OMIM 114480. Disease mechanism: loss of function.

Allele frequency attached by ClinVar (database versions not stated): TOPMed below 0.00001; gnomAD 0.00001.
gnomAD v4.1: 1 of 1,613,786 alleles (0.000062%); highest among the groups gnomAD compares: Non-Finnish European, 0.000085%; no homozygotes.

Submissions (3):

Labcorp Genetics (formerly Invitae), Labcorp
Classification: Uncertain significance for Familial cancer of breast; Fanconi anemia complementation group J. Last evaluated: 2025-11-25. Review status: criteria provided, single submitter. Criteria: Invitae Variant Classification Sherloc (09022015). Collection method: clinical testing. Allele origin: germline.
Comment: This sequence change replaces phenylalanine, which is neutral and non-polar, with leucine, which is neutral and non-polar, at codon 735 of the BRIP1 protein (p.Phe735Leu). This variant is not present in population databases (gnomAD no frequency). This variant has not been reported in the literature in individuals affected with BRIP1-related conditions. ClinVar contains an entry for this variant (Variation ID: 854969). Invitae Evidence Modeling of protein sequence and biophysical properties (such as structural, functional, and spatial information, amino acid conservation, physicochemical variation, residue mobility, and thermodynamic stability) has been performed for this missense variant. However, the output from this modeling did not meet the statistical confidence thresholds required to predict the impact of this variant on BRIP1 protein function. In summary, the available evidence is currently insufficient to determine the role of this variant in disease. Therefore, it has been classified as a Variant of Uncertain Significance.

Color Diagnostics, LLC DBA Color Health
Classification: Uncertain significance for Hereditary cancer-predisposing syndrome. Last evaluated: 2025-03-17. Review status: criteria provided, single submitter. Criteria: ACMG Guidelines, 2015. Collection method: clinical testing. Allele origin: germline.
Comment: This missense variant replaces phenylalanine with leucine at codon 735 of the BRIP1 protein. Computational prediction is inconclusive regarding the impact of this variant on protein structure and function (internally defined REVEL score threshold 0.5 < inconclusive < 0.7, PMID: 27666373). To our knowledge, functional studies have not been reported for this variant. This variant has not been reported in individuals affected with BRIP1-related disorders in the literature. This variant has not been identified in the general population by the Genome Aggregation Database (gnomAD). The available evidence is insufficient to determine the role of this variant in disease conclusively. Therefore, this variant is classified as a Variant of Uncertain Significance.

Ambry Genetics
Classification: Uncertain significance for Hereditary cancer-predisposing syndrome. Last evaluated: 2022-03-16. Review status: criteria provided, single submitter. Criteria: Ambry Variant Classification Scheme 2023. Collection method: clinical testing. Allele origin: germline.
Comment: The p.F735L variant (also known as c.2203T>C), located in coding exon 14 of the BRIP1 gene, results from a T to C substitution at nucleotide position 2203. The phenylalanine at codon 735 is replaced by leucine, an amino acid with highly similar properties. This amino acid position is conserved. In addition, the in silico prediction for this alteration is inconclusive. Since supporting evidence is limited at this time, the clinical significance of this alteration remains unclear.